The following is an entry in ClinVar:

NM_013314.4(BLNK):c.1303G>A (p.Val435Ile)

Genes: BLNK (B cell linker; minus strand), ZNF518A (zinc finger protein 518A; plus strand). Cytogenetic location: 10q24.1.
Variant type: single nucleotide variant.
Coding change: c.1303G>A on transcript NM_013314.4 (MANE Select); coding-DNA position 1303, G replaced by A.
Protein change: p.Val435Ile; replaces valine 435 with isoleucine.
Molecular consequence: missense variant. On other transcripts: non-coding transcript variant (4).
Genome position (GRCh38, 1-based): chr10:96,192,041, C>T on the plus strand (G>A on the coding strand, the complement: BLNK is on the minus strand). VCF-style: chr10-96192041-C-T. GRCh37 (hg19) VCF-style: chr10-97951797-C-T.
Other names: c.1234G>A, p.Val412Ile (NM_001114094.2); c.1147G>A, p.Val383Ile (NM_001258440.2); c.1078G>A, p.Val360Ile (NM_001258441.2); c.832G>A, p.Val278Ile (NM_001258442.2); short protein forms V435I, V383I, V412I, V278I, V360I.
Identifiers: ClinVar variation 2161874 (VCV002161874.4), dbSNP rs138157505, ClinGen allele CA5623131.

ClinVar aggregate classification (germline): Uncertain significance. Review status: criteria provided, multiple submitters, no conflicts (2 of 4 stars). 3 submissions from 3 submitters: Uncertain significance (3). Last evaluated 2024-04-25.

Conditions:
Inborn genetic diseases. Identifiers: MedGen C0950123, MeSH D030342.
Agammaglobulinemia 4, autosomal recessive (AGM4). Also called: AGAMMAGLOBULINEMIA, AUTOSOMAL RECESSIVE, DUE TO BLNK DEFECT; B cell linker protein deficiency. Identifiers: MedGen C3150752, MONDO:0013289, OMIM 613502.

Allele frequency attached by ClinVar (database versions not stated): TOPMed 0.00005; gnomAD 0.00007; ESP Exome Variant Server 0.00015.
gnomAD v4.1: 60 of 1,613,526 alleles (0.0037%); highest among the groups gnomAD compares: Middle Eastern, 0.016%; no homozygotes.

Submissions (3):

Blueprint Genetics
Classification: Uncertain significance. Last evaluated: 2024-04-25. Review status: criteria provided, single submitter. Criteria: ACMG Guidelines, 2015. Collection method: clinical testing. Allele origin: germline.

Ambry Genetics
Classification: Uncertain significance for Inborn genetic diseases. Last evaluated: 2023-12-28. Review status: criteria provided, single submitter. Criteria: Ambry Variant Classification Scheme 2023. Collection method: clinical testing. Allele origin: germline.

Labcorp Genetics (formerly Invitae), Labcorp
Classification: Uncertain significance for Agammaglobulinemia 4, autosomal recessive. Last evaluated: 2023-12-11. Review status: criteria provided, single submitter. Criteria: Invitae Variant Classification Sherloc (09022015). Collection method: clinical testing. Allele origin: germline.
Comment: This sequence change replaces valine, which is neutral and non-polar, with isoleucine, which is neutral and non-polar, at codon 435 of the BLNK protein (p.Val435Ile). This variant is present in population databases (rs138157505, gnomAD 0.005%). This variant has not been reported in the literature in individuals affected with BLNK-related conditions. ClinVar contains an entry for this variant (Variation ID: 2161874). Advanced modeling of protein sequence and biophysical properties (such as structural, functional, and spatial information, amino acid conservation, physicochemical variation, residue mobility, and thermodynamic stability) performed at Invitae indicates that this missense variant is not expected to disrupt BLNK protein function with a negative predictive value of 80%. In summary, the available evidence is currently insufficient to determine the role of this variant in disease. Therefore, it has been classified as a Variant of Uncertain Significance.